The following is an entry in ClinVar:

NM_002474.3(MYH11):c.5772C>T (p.Leu1924=)

Genes: MYH11 (myosin heavy chain 11; minus strand), NDE1 (nudE neurodevelopment protein 1; plus strand). Cytogenetic location: 16p13.11.
Variant type: single nucleotide variant.
Coding change: c.5772C>T on transcript NM_002474.3 (MANE Select); coding-DNA position 5772, C replaced by T.
Protein change: p.Leu1924=; no amino-acid change (leucine 1924 retained).
Molecular consequence: synonymous variant. On other transcripts: intron variant (2).
Genome position (GRCh38, 1-based): chr16:15,714,923, G>A on the plus strand (C>T on the coding strand, the complement: MYH11 is on the minus strand). VCF-style: chr16-15714923-G-A. GRCh37 (hg19) VCF-style: chr16-15808780-G-A.
Other names: c.5793C>T, p.Leu1931= (NM_001040113.2, NM_001040114.2); c.5772C>T, p.Leu1924= (NM_022844.3); c.948-9268G>A (NM_001143979.2, NM_017668.3).
Identifiers: ClinVar variation 924843 (VCV000924843.3), dbSNP rs774511118, ClinGen allele CA493745567.

ClinVar aggregate classification (germline): Likely benign. Review status: criteria provided, multiple submitters, no conflicts (2 of 4 stars). 2 submissions from 2 submitters: Likely benign (2). Last evaluated 2023-05-08.

Conditions:
Familial thoracic aortic aneurysm and aortic dissection (TAAD). Also called: Thoracic aortic aneurysms and dissections. Identifiers: Orphanet 91387, MedGen C4707243, MONDO:0019625.

Submissions (2):

All of Us Research Program, National Institutes of Health
Classification: Likely benign for Familial thoracic aortic aneurysm and aortic dissection. Last evaluated: 2023-05-08. Review status: criteria provided, single submitter. Criteria: ACMG Guidelines, 2015. Collection method: clinical testing. Allele origin: germline. Inheritance: Autosomal dominant inheritance. Observed: 1 variant allele, 1 heterozygote.
Comment: This study involves interpretation of variants in research participants for the purpose of population health screening. Participant phenotype was not available at the time of variant classification. Additional details can be found in publication PMID: 35346344, PMCID: PMC8962531

Color Diagnostics, LLC DBA Color Health
Classification: Likely benign for Familial thoracic aortic aneurysm and aortic dissection. Last evaluated: 2019-12-29. Review status: criteria provided, single submitter. Criteria: ACMG Guidelines, 2015. Collection method: clinical testing. Allele origin: germline.